The following is an entry in ClinVar:

NM_025074.7(FRAS1):c.4111C>T (p.Gln1371Ter)

Gene: FRAS1 (Fraser extracellular matrix complex subunit 1; plus strand). Cytogenetic location: 4q21.21.
Variant type: single nucleotide variant.
Coding change: c.4111C>T on transcript NM_025074.7 (MANE Select); coding-DNA position 4111, C replaced by T.
Protein change: p.Gln1371Ter; replaces glutamine 1371 with a stop codon.
Molecular consequence: nonsense.
Genome position (GRCh38, 1-based): chr4:78,400,869, C>T. VCF-style: chr4-78400869-C-T. GRCh37 (hg19) VCF-style: chr4-79322023-C-T.
Other names: c.4111C>T, p.Gln1371Ter (NM_001166133.2); short protein forms Q1371*.
Identifiers: ClinVar variation 916639 (VCV000916639.4), dbSNP rs1732862637, ClinGen allele CA357379689.

ClinVar aggregate classification (germline): Pathogenic. Review status: criteria provided, multiple submitters, no conflicts (2 of 4 stars). 2 submissions from 2 submitters: Pathogenic (2). Last evaluated 2023-12-04.

Conditions:
Fraser syndrome 1 (FRASRS1). Also called: CRYPTOPHTHALMOS WITH OTHER MALFORMATIONS. Identifiers: Orphanet 2052, MedGen C4551480, MONDO:0054737, OMIM 219000.

Allele frequency attached by ClinVar (database versions not stated): gnomAD 0.00001.
gnomAD v4.1: 1 of 1,613,554 alleles (0.000062%); no homozygotes.

Submissions (2):

Labcorp Genetics (formerly Invitae), Labcorp
Classification: Pathogenic. Last evaluated: 2023-12-04. Review status: criteria provided, single submitter. Criteria: Invitae Variant Classification Sherloc (09022015). Collection method: clinical testing. Allele origin: germline.
Comment: This sequence change creates a premature translational stop signal (p.Gln1371*) in the FRAS1 gene. It is expected to result in an absent or disrupted protein product. Loss-of-function variants in FRAS1 are known to be pathogenic (PMID: 12766769, 18671281). This variant is not present in population databases (gnomAD no frequency). This premature translational stop signal has been observed in individual(s) with clinical features of FRAS1-related conditions (PMID: 24551978). ClinVar contains an entry for this variant (Variation ID: 916639). For these reasons, this variant has been classified as Pathogenic.

Service de Biochimie Médicale et Biologie Moléculaire, CHU Clermont-Ferrand
Classification: Pathogenic for Fraser syndrome 1. Last evaluated: 2018-09-14. Review status: criteria provided, single submitter. Criteria: ACMG Guidelines, 2015. Collection method: clinical testing. Allele origin: inherited. Inheritance: Autosomal recessive inheritance. Affected: yes.
Comment: This variant in homozygous state or compound heterozygous state induced Fraser syndrome phenotype

Literature cited by the submitters: PubMed 12766769 (cited by Labcorp Genetics (formerly Invitae), Labcorp); PubMed 18671281 (cited by Labcorp Genetics (formerly Invitae), Labcorp); PubMed 24551978 (cited by Labcorp Genetics (formerly Invitae), Labcorp and Service de Biochimie Médicale et Biologie Moléculaire, CHU Clermont-Ferrand).